The following is an entry in ClinVar:

ClinVar aggregate classification (germline): Uncertain significance. Review status: criteria provided, multiple submitters, no conflicts (2 of 4 stars). 4 submissions from 4 submitters: Uncertain significance (4). Last evaluated 2026-01-29.

Conditions:
DST-related disorder. Also called: DST-related condition; DST-related disorders.
Epidermolysis bullosa simplex 3, localized or generalized intermediate, with BP230 deficiency (EBS3). Also called: Epidermolysis bullosa simplex, autosomal recessive 2; Epidermolysis bullosa simplex due to BP230 deficiency. Identifiers: Orphanet 412181, MedGen C3809470, MONDO:0014180, OMIM 615425.
Hereditary sensory and autonomic neuropathy type 6. Also called: HSAN VI; Neuropathy, hereditary sensory and autonomic, type VI. Identifiers: Orphanet 314381, MedGen C3539003, MONDO:0013839, OMIM 614653.

Submissions (4):

GeneDx
Classification: Uncertain significance. Last evaluated: 2026-01-29. Review status: criteria provided, single submitter. Criteria: GeneDx Variant Classification Process June 2021. Collection method: clinical testing. Allele origin: germline.
Comment: Frameshift variant predicted to result in abnormal protein length as the last 262 amino acid(s) are replaced with 4 different amino acid(s); Reported using the transcript encoding the epithelial isoform of the gene; This variant is associated with the following publications: (PMID: 39670436)

PreventionGenetics, part of Exact Sciences
Classification: Uncertain significance for DST-related condition. Last evaluated: 2025-11-21. Review status: criteria provided, single submitter. Criteria: ACMG Guidelines, 2015. Collection method: clinical testing. Allele origin: germline.
Comment: The DST c.7162delT variant is predicted to result in a frameshift and premature protein termination (p.Ser2388Leufs*5). This variant resides in the final exon of the epithelial isoform (NM_001723.5) and it is unclear if the resulting mRNA would undergo nonsense-mediated decay. This variant could also be referred to as c.4831-1821delT with the neuronal isoform, NM_001144769. To our knowledge, this variant has not been reported in the literature. This variant is reported in 0.14% of alleles in individuals of African descent in gnomAD. At this time, the clinical significance of this variant is uncertain due to the absence of conclusive functional and genetic evidence.

Labcorp Genetics (formerly Invitae), Labcorp
Classification: Uncertain significance for Epidermolysis bullosa simplex 3, localized or generalized intermediate, with BP230 deficiency; Hereditary sensory and autonomic neuropathy type 6. Last evaluated: 2024-11-18. Review status: criteria provided, single submitter. Criteria: Invitae Variant Classification Sherloc (09022015). Collection method: clinical testing. Allele origin: germline.
Comment: This sequence change creates a premature translational stop signal (p.Ser2388Leufs*5) in the DST gene. While this is not anticipated to result in nonsense mediated decay, it is expected to disrupt the last 262 amino acid(s) of the DST protein. This variant is present in population databases (rs758701051, gnomAD 0.1%). This variant has not been reported in the literature in individuals affected with DST-related conditions. ClinVar contains an entry for this variant (Variation ID: 474549). Experimental studies and prediction algorithms are not available or were not evaluated, and the functional significance of this variant is currently unknown. In summary, the available evidence is currently insufficient to determine the role of this variant in disease. Therefore, it has been classified as a Variant of Uncertain Significance.

Greenwood Genetic Center Diagnostic Laboratories, Greenwood Genetic Center
Classification: Uncertain significance. Last evaluated: 2024-04-01. Review status: criteria provided, single submitter. Criteria: ACMG Guidelines, 2015. Collection method: clinical testing. Allele origin: germline. Affected: yes.
Comment: PM2

NM_001723.7(DST):c.7162del (p.Ser2388fs)

Gene: DST (dystonin; minus strand). Cytogenetic location: 6p12.1.
Variant type: Deletion.
Coding change: c.7162del on transcript NM_001723.7 (MANE Plus Clinical); coding-DNA position 7162, one base deleted (T; older notation c.7162delT).
Protein change: p.Ser2388fs; shifts the reading frame from serine 2388.
Molecular consequence: frameshift variant. On other transcripts: intron variant (10).
Genome position (GRCh38, 1-based): chr6:56,616,305, A deleted on the plus strand (T on the coding strand, the reverse complement: DST is on the minus strand); the first of 2 consecutive A bases (chr6:56,616,305-56,616,306); deleting either gives the same sequence. VCF-style (leftmost placement, unchanged base first): chr6-56616304-GA-G. GRCh37 (hg19) VCF-style: chr6-56481102-GA-G.
Other names: c.7162del (NM_001723.5, NM_001723.6); c.4831-1821del (NM_001144769.5); c.4930-1821del (NM_001374722.1, NM_001374736.1); c.4957-1821del (NM_001374734.1); c.4417-1821del (NM_001144770.2); c.4297-1821del (NM_001374730.1, NM_001386100.1, NM_183380.4 and 1 more transcripts); c.3319-1821del (NM_015548.5); short protein forms S2388fs.
Identifiers: ClinVar variation 474549 (VCV000474549.14), dbSNP rs758701051, ClinGen allele CA3870013.